The following is an entry in ClinVar:

ClinVar aggregate classification (germline): Uncertain significance (1 of 4 stars; one submission).

Allele frequency attached by ClinVar (database versions not stated): 1000 Genomes Project 30x 0.00016; 1000 Genomes Project 0.00020.
gnomAD v4.1: 38 of 1,611,686 alleles (0.0024%); highest among the groups gnomAD compares: South Asian, 0.041%; no homozygotes.

Submission:

Labcorp Genetics (formerly Invitae), Labcorp
Classification: Uncertain significance. Last evaluated: 2026-02-03. Review status: criteria provided, single submitter. Criteria: Invitae Variant Classification Sherloc (09022015). Collection method: clinical testing. Allele origin: germline.
Comment: This sequence change replaces phenylalanine, which is neutral and non-polar, with isoleucine, which is neutral and non-polar, at codon 210 of the LIPI protein (p.Phe210Ile). This variant is present in population databases (rs539855459, gnomAD 0.03%). This variant has not been reported in the literature in individuals affected with LIPI-related conditions. ClinVar contains an entry for this variant (Variation ID: 2912206). An algorithm developed to predict the effect of missense changes on protein structure and function (PolyPhen-2) suggests that this variant is likely to be disruptive. In summary, the available evidence is currently insufficient to determine the role of this variant in disease. Therefore, it has been classified as a Variant of Uncertain Significance.

NM_001302998.2(LIPI):c.565T>A (p.Phe189Ile)

Gene: LIPI (lipase I; minus strand). Cytogenetic location: 21q11.2.
Variant type: single nucleotide variant.
Coding change: c.565T>A on transcript NM_001302998.2 (MANE Select); coding-DNA position 565, T replaced by A.
Protein change: p.Phe189Ile; replaces phenylalanine 189 with isoleucine.
Molecular consequence: missense variant.
Genome position (GRCh38, 1-based): chr21:14,181,836, A>T on the plus strand (T>A on the coding strand, the complement: LIPI is on the minus strand). VCF-style: chr21-14181836-A-T. GRCh37 (hg19) VCF-style: chr21-15554157-A-T.
Other names: c.565T>A, p.Phe189Ile (NM_001302999.2, NM_001303000.2, NM_001303001.2 and 1 more transcripts); c.70T>A, p.Phe24Ile (NM_001379566.1); c.430T>A, p.Phe144Ile (NM_198996.4); short protein forms F144I, F189I, F24I.
Identifiers: ClinVar variation 2912206 (VCV002912206.3), dbSNP rs539855459, ClinGen allele CA9979629.